The following is an entry in ClinVar:

ClinVar aggregate classification (germline): Likely pathogenic (1 of 4 stars; one submission).

Conditions:
Dilated cardiomyopathy 1G (CMD1G). Identifiers: Orphanet 154, MedGen C1858763, MONDO:0011400, OMIM 604145.
Autosomal recessive limb-girdle muscular dystrophy type 2J (LGMDR10). Also called: Limb-girdle muscular dystrophy, type 2J; MUSCULAR DYSTROPHY, LIMB-GIRDLE, AUTOSOMAL RECESSIVE 10. Identifiers: Orphanet 140922, MedGen C1837342, MONDO:0012127, OMIM 608807.

Submission:

Labcorp Genetics (formerly Invitae), Labcorp
Classification: Likely pathogenic for Dilated cardiomyopathy 1G; Autosomal recessive limb-girdle muscular dystrophy type 2J. Last evaluated: 2021-08-03. Review status: criteria provided, single submitter. Criteria: Invitae Variant Classification Sherloc (09022015). Collection method: clinical testing. Allele origin: germline.
Comment: This premature translational stop signal has been observed in individual(s) with dilated cardiomyopathy (Invitae). In summary, the currently available evidence indicates that the variant is pathogenic, but additional data are needed to prove that conclusively. Therefore, this variant has been classified as Likely Pathogenic. This variant is located in the A band of TTN (PMID: 25589632). Truncating variants in this region are significantly overrepresented in patients affected with dilated cardiomyopathy (PMID: 25589632). Truncating variants in this region have also been reported in individuals affected with autosomal recessive centronuclear myopathy (PMID: 23975875). This variant is not present in population databases (ExAC no frequency). This sequence change creates a premature translational stop signal (p.Gly26230Glufs*13) in the TTN gene. While this is not anticipated to result in nonsense mediated decay, it is expected to create a truncated TTN protein.

Literature cited by the submitters: PubMed 25589632; PubMed 23975875.

NM_001267550.2(TTN):c.78689del (p.Gly26230fs)

Genes: TTN-AS1 (TTN antisense RNA 1; plus strand), TTN (titin; minus strand). Cytogenetic location: 2q31.2.
Variant type: Deletion.
Coding change: c.78689del on transcript NM_001267550.2 (MANE Select); coding-DNA position 78689, one base deleted (G; older notation c.78689delG).
Protein change: p.Gly26230fs; shifts the reading frame from glycine 26230.
Molecular consequence: frameshift variant.
Genome position (GRCh38, 1-based): chr2:178,567,443, C deleted on the plus strand (G on the coding strand, the reverse complement: TTN is on the minus strand); the first of 2 consecutive C bases (chr2:178,567,443-178,567,444); deleting either gives the same sequence. VCF-style (leftmost placement, unchanged base first): chr2-178567442-TC-T. GRCh37 (hg19) VCF-style: chr2-179432169-TC-T.
Other names: c.73766del, p.Gly24589fs (NM_001256850.1); c.51494del, p.Gly17165fs (NM_003319.4); c.70985del, p.Gly23662fs (NM_133378.4); c.51869del, p.Gly17290fs (NM_133432.3); c.52070del, p.Gly17357fs (NM_133437.4); short protein forms G24589fs, G17165fs, G23662fs, G17290fs, G26230fs, G17357fs.
Identifiers: ClinVar variation 1490018 (VCV001490018.6), dbSNP rs2154166282, ClinGen allele CA2573133020.